The following is an entry in ClinVar:

ClinVar aggregate classification (germline): Likely benign (1 of 4 stars; one submission).

Allele frequency attached by ClinVar (database versions not stated): gnomAD exomes below 0.00001.
gnomAD v4.1: 2 of 1,613,798 alleles (0.00012%); highest among the groups gnomAD compares: Non-Finnish European, 0.00017%; no homozygotes.

Submission:

Laboratory for Molecular Medicine, Mass General Brigham Personalized Medicine
Classification: Likely benign. Last evaluated: 2012-07-24. Review status: criteria provided, single submitter. Criteria: LMM Criteria. Collection method: clinical testing. Allele origin: germline. Observed: 1 variant allele.
Comment: Glu451Glu in exon 12 of LAMA4: This variant is not expected to have clinical sig nificance because it does not alter an amino acid residue and is not located wit hin the splice consensus sequence. Glu451Glu in exon 12 of LAMA4 (allele freque ncy = n/a)

NM_001105206.3(LAMA4):c.1374G>A (p.Glu458=)

Gene: LAMA4 (laminin subunit alpha 4; minus strand). Cytogenetic location: 6q21.
Variant type: single nucleotide variant.
Coding change: c.1374G>A on transcript NM_001105206.3 (MANE Select); coding-DNA position 1374, G replaced by A.
Protein change: p.Glu458=; no amino-acid change (glutamic acid 458 retained).
Molecular consequence: synonymous variant.
Genome position (GRCh38, 1-based): chr6:112,172,788, C>T on the plus strand (G>A on the coding strand, the complement: LAMA4 is on the minus strand). VCF-style: chr6-112172788-C-T. GRCh37 (hg19) VCF-style: chr6-112493990-C-T.
Other names: c.1353G>A, p.Glu451= (NM_001105207.3, NM_002290.5).
Identifiers: ClinVar variation 44345 (VCV000044345.4), dbSNP rs397516717, ClinGen allele CA134006.